The following is an entry in ClinVar:

ClinVar aggregate classification (germline): Uncertain significance (1 of 4 stars; one submission).

Conditions:
Fanconi anemia complementation group J. Also called: BRIP1-Related Fanconi Anemia. Identifiers: Orphanet 84, MedGen C1836860, MONDO:0012187, OMIM 609054.
Familial cancer of breast. Also called: Hereditary breast cancer; hereditary breast carcinoma; BREAST CANCER, FAMILIAL. Identifiers: Orphanet 227535, MedGen C0346153, MONDO:0016419, OMIM 114480. Disease mechanism: loss of function.

Submission:

Labcorp Genetics (formerly Invitae), Labcorp
Classification: Uncertain significance for Familial cancer of breast; Fanconi anemia complementation group J. Last evaluated: 2025-06-29. Review status: criteria provided, single submitter. Criteria: Invitae Variant Classification Sherloc (09022015). Collection method: clinical testing. Allele origin: germline.
Comment: This sequence change replaces tryptophan, which is neutral and slightly polar, with arginine, which is basic and polar, at codon 335 of the BRIP1 protein (p.Trp335Arg). This variant is not present in population databases (gnomAD no frequency). This variant has not been reported in the literature in individuals affected with BRIP1-related conditions. Invitae Evidence Modeling of protein sequence and biophysical properties (such as structural, functional, and spatial information, amino acid conservation, physicochemical variation, residue mobility, and thermodynamic stability) indicates that this missense variant is expected to disrupt BRIP1 protein function with a positive predictive value of 95%. In summary, the available evidence is currently insufficient to determine the role of this variant in disease. Therefore, it has been classified as a Variant of Uncertain Significance.

NM_032043.3(BRIP1):c.1003T>A (p.Trp335Arg)

Gene: BRIP1 (BRCA1 interacting DNA helicase 1; minus strand). Cytogenetic location: 17q23.2.
Variant type: single nucleotide variant.
Coding change: c.1003T>A on transcript NM_032043.3 (MANE Select); coding-DNA position 1003, T replaced by A.
Protein change: p.Trp335Arg; replaces tryptophan 335 with arginine.
Molecular consequence: missense variant.
Genome position (GRCh38, 1-based): chr17:61,801,390, A>T on the plus strand (T>A on the coding strand, the complement: BRIP1 is on the minus strand). VCF-style: chr17-61801390-A-T. GRCh37 (hg19) VCF-style: chr17-59878751-A-T.
Other names: short protein forms W335R.
Identifiers: ClinVar variation 4783588 (VCV004783588.1).
Genomic context (GRCh38, chr17:61,801,390, plus strand): 5'-CTGTGTAATATGGACAGGCCTTTAGTTTCTTCCCCAGGCTGACAAGTTCTTCTATATCCC[A>T]GGCTTTGCACATCCCTTGGAAAGTCTGTAATGTGTGCTGATCACTAATTTTATGAACTCC-3'
Protein context (NP_114432.2, residues 325-345): LQTFQGMCKA[Trp335Arg]DIEELVSLGK